The following is an entry in ClinVar:

NM_002769.5(PRSS1):c.38C>T (p.Ala13Val)

Genes: TRB (T cell receptor beta locus; plus strand), PRSS1 (serine protease 1; plus strand). Cytogenetic location: 7q34.
Variant type: single nucleotide variant.
Coding change: c.38C>T on transcript NM_002769.5 (MANE Select); coding-DNA position 38, C replaced by T.
Protein change: p.Ala13Val; replaces alanine 13 with valine.
Molecular consequence: missense variant.
Genome position (GRCh38, 1-based): chr7:142,749,522, C>T. VCF-style: chr7-142749522-C-T. GRCh37 (hg19) VCF-style: chr7-142457373-C-T.
Other names: p.Ala13Val; short protein forms A13V.
Identifiers: ClinVar variation 569101 (VCV000569101.13), dbSNP rs773357729, ClinGen allele CA4529591.

ClinVar aggregate classification (germline): Uncertain significance. Review status: criteria provided, multiple submitters, no conflicts (2 of 4 stars). 5 submissions from 5 submitters: Uncertain significance (5). Last evaluated 2025-11-19.

Conditions:
Hereditary pancreatitis (PCTT). Also called: Hereditary chronic pancreatitis; PRSS1-Related Hereditary Pancreatitis. Identifiers: Orphanet 676, MedGen C0238339, MONDO:0008185, OMIM 167800.

Allele frequency attached by ClinVar (database versions not stated): gnomAD exomes below 0.00001 and 0.00001; gnomAD 0.00001; TOPMed 0.00001; ExAC 0.00002.
gnomAD v4.1: 13 of 1,614,036 alleles (0.00081%); highest among the groups gnomAD compares: Non-Finnish European, 0.00085%; no homozygotes.

Submissions (5):

Ambry Genetics
Classification: Uncertain significance for Hereditary pancreatitis. Last evaluated: 2025-11-19. Review status: criteria provided, single submitter. Criteria: Ambry Variant Classification Scheme 2023. Collection method: clinical testing. Allele origin: germline.
Comment: The p.A13V variant (also known as c.38C>T), located in coding exon 1 of the PRSS1 gene, results from a C to T substitution at nucleotide position 38. The alanine at codon 13 is replaced by valine, an amino acid with similar properties. This amino acid position is highly conserved in available vertebrate species. In addition, the in silico prediction for this alteration is inconclusive. Since supporting evidence is limited at this time, the clinical significance of this alteration remains unclear.

Labcorp Genetics (formerly Invitae), Labcorp
Classification: Uncertain significance for Hereditary pancreatitis. Last evaluated: 2023-08-16. Review status: criteria provided, single submitter. Criteria: Invitae Variant Classification Sherloc (09022015). Collection method: clinical testing. Allele origin: germline.
Comment: This sequence change replaces alanine, which is neutral and non-polar, with valine, which is neutral and non-polar, at codon 13 of the PRSS1 protein (p.Ala13Val). In summary, the available evidence is currently insufficient to determine the role of this variant in disease. Therefore, it has been classified as a Variant of Uncertain Significance. An algorithm developed to predict the effect of missense changes on protein structure and function (PolyPhen-2) suggests that this variant is likely to be tolerated. ClinVar contains an entry for this variant (Variation ID: 569101). This variant has not been reported in the literature in individuals affected with PRSS1-related conditions. The frequency data for this variant in the population databases is considered unreliable, as metrics indicate poor data quality at this position in the gnomAD database.

Mayo Clinic Laboratories, Mayo Clinic
Classification: Uncertain significance. Last evaluated: 2023-07-25. Review status: criteria provided, single submitter. Criteria: ACMG Guidelines, 2015. Collection method: clinical testing. Allele origin: germline. Observed: 1 variant allele.

GeneDx
Classification: Uncertain significance. Last evaluated: 2022-12-20. Review status: criteria provided, single submitter. Criteria: GeneDx Variant Classification Process June 2021. Collection method: clinical testing. Allele origin: germline. Affected: yes.
Comment: In silico analysis supports that this missense variant has a deleterious effect on protein structure/function; Has not been previously published as pathogenic or benign to our knowledge; This variant is associated with the following publications: (PMID: 27651393)

Sema4
Classification: Uncertain significance for Hereditary pancreatitis. Last evaluated: 2021-04-20. Review status: criteria provided, single submitter. Criteria: Sema4 Curation Guidelines. Collection method: curation. Allele origin: germline.
Comment: The PRSS1 c.38C>T (p.A13V) variant has not been reported in the literature to our knowledge. It was observed in 1/129188 chromosomes of the Non-Finnish European subpopulation in the large and broad cohorts of the Genome Aggregation Database. The variant has been reported in ClinVar (Variation ID: 569101). In silico tools suggest the impact of the variant on protein function is inconclusive, though these predictions have not been confirmed by functional studies. The evidence is insufficient to meet ACMG/AMP criteria for classifying the variant as benign or pathogenic. Thus, the clinical significance of this variant is currently uncertain.